The following is an entry in ClinVar:

ClinVar aggregate classification (germline): Likely pathogenic (1 of 4 stars; one submission).

Conditions:
Familial thoracic aortic aneurysm and aortic dissection (TAAD). Also called: Thoracic aortic aneurysms and dissections. Identifiers: Orphanet 91387, MedGen C4707243, MONDO:0019625.
Marfan syndrome (MFS). Also called: MARFAN SYNDROME, TYPE I; Marfan syndrome type 1; Marfan's syndrome; Marfan syndrome, classic; FBN1-Related Marfan Syndrome. Identifiers: Orphanet 284963, Orphanet 558, MedGen C0024796, MONDO:0007947, OMIM 154700.

Submission:

Labcorp Genetics (formerly Invitae), Labcorp
Classification: Likely pathogenic for Marfan syndrome; Familial thoracic aortic aneurysm and aortic dissection. Last evaluated: 2022-07-30. Review status: criteria provided, single submitter. Criteria: Invitae Variant Classification Sherloc (09022015). Collection method: clinical testing. Allele origin: germline.
Comment: This sequence change replaces tryptophan, which is neutral and slightly polar, with serine, which is neutral and polar, at codon 366 of the FBN1 protein (p.Trp366Ser). This variant is not present in population databases (gnomAD no frequency). This missense change has been observed in individuals with Marfan syndrome (PMID: 29357934; Invitae). Advanced modeling of protein sequence and biophysical properties (such as structural, functional, and spatial information, amino acid conservation, physicochemical variation, residue mobility, and thermodynamic stability) performed at Invitae indicates that this missense variant is expected to disrupt FBN1 protein function. This variant disrupts the p.Trp366 amino acid residue in FBN1. Other variant(s) that disrupt this residue have been observed in individuals with FBN1-related conditions (PMID: 24161884, 29357934), which suggests that this may be a clinically significant amino acid residue. In summary, the currently available evidence indicates that the variant is pathogenic, but additional data are needed to prove that conclusively. Therefore, this variant has been classified as Likely Pathogenic.

Literature cited by the submitters: PubMed 29357934; PubMed 24161884.

NM_000138.5(FBN1):c.1097G>C (p.Trp366Ser)

Genes: FBN1 (fibrillin 1; minus strand), LOC113939944 (Sharpr-MPRA regulatory region 9539; plus strand). Cytogenetic location: 15q21.1.
Variant type: single nucleotide variant.
Coding change: c.1097G>C on transcript NM_000138.5 (MANE Select); coding-DNA position 1097, G replaced by C.
Protein change: p.Trp366Ser; replaces tryptophan 366 with serine.
Molecular consequence: missense variant.
Genome position (GRCh38, 1-based): chr15:48,520,709, C>G on the plus strand (G>C on the coding strand, the complement: FBN1 is on the minus strand). VCF-style: chr15-48520709-C-G. GRCh37 (hg19) VCF-style: chr15-48812906-C-G.
Other names: c.1097G>C, p.Trp366Ser (NM_001406716.1); short protein forms W366S.
Identifiers: ClinVar variation 2152242 (VCV002152242.4), dbSNP rs2505628872, ClinGen allele CA392347366.